The following is an entry in ClinVar:

NM_173560.4(RFX6):c.2078A>G (p.Asn693Ser)

Gene: RFX6 (regulatory factor X6; plus strand). Cytogenetic location: 6q22.1.
Variant type: single nucleotide variant.
Coding change: c.2078A>G on transcript NM_173560.4 (MANE Select); coding-DNA position 2078, A replaced by G.
Protein change: p.Asn693Ser; replaces asparagine 693 with serine.
Molecular consequence: missense variant.
Genome position (GRCh38, 1-based): chr6:116,927,219, A>G. VCF-style: chr6-116927219-A-G. GRCh37 (hg19) VCF-style: chr6-117248382-A-G.
Other names: short protein forms N693S.
Identifiers: ClinVar variation 2443244 (VCV002443244.2), dbSNP rs745312684, ClinGen allele CA3973476.

ClinVar aggregate classification (germline): Uncertain significance (0 of 4 stars; one submission).

Allele frequency attached by ClinVar (database versions not stated): gnomAD 0.00001; ExAC 0.00002; TOPMed 0.00002; gnomAD exomes 0.00003.
gnomAD v4.1: 42 of 1,614,088 alleles (0.0026%); highest among the groups gnomAD compares: Non-Finnish European, 0.0033%; no homozygotes.

Submission:

Genetic Services Laboratory, University of Chicago
Classification: Uncertain significance. Last evaluated: 2022-11-12. Review status: no assertion criteria provided. Collection method: clinical testing. Allele origin: germline. Affected: no.
Comment: DNA sequence analysis of the RFX6 gene demonstrated a sequence change, c.2078A>G, in exon 17 that results in an amino acid change, p.Asn693Ser. This sequence change does not appear to have been previously described in individuals with RFX6-related disorders. This sequence change has been described in the gnomAD database with a frequency of 0.005% in the European subpopulation (dbSNP rs745312684). The p.Asn693Ser change affects a moderately conserved amino acid residue located in a domain of the RFX6 protein that is not known to be functional. The p.Asn693Ser substitution appears to be benign using several in-silico pathogenicity prediction tools (SIFT, PolyPhen2, Align GVGD, REVEL). Due to insufficient evidences and the lack of functional studies, the clinical significance of the p.Asn693Ser change remains unknown at this time